The following is an entry in ClinVar:

ClinVar aggregate classification (germline): Pathogenic (1 of 4 stars; one submission).

Conditions:
Mendelian susceptibility to mycobacterial diseases due to complete IL12RB1 deficiency. Also called: IL12RB1 DEFICIENCY; Immunodeficiency 30. Identifiers: Orphanet 319552, MedGen C4013949, MONDO:0013955, OMIM 614891.

Allele frequency attached by ClinVar (database versions not stated): gnomAD 0.00001.
gnomAD v4.1: 1 of 1,609,694 alleles (0.000062%); highest among the groups gnomAD compares: African/African-American, 0.0013%; no homozygotes.

Submission:

Labcorp Genetics (formerly Invitae), Labcorp
Classification: Pathogenic for Mendelian susceptibility to mycobacterial diseases due to complete IL12RB1 deficiency. Last evaluated: 2021-10-12. Review status: criteria provided, single submitter. Criteria: Invitae Variant Classification Sherloc (09022015). Collection method: clinical testing. Allele origin: germline.
Comment: For these reasons, this variant has been classified as Pathogenic. This variant has not been reported in the literature in individuals affected with IL12RB1-related conditions. This variant is not present in population databases (ExAC no frequency). This sequence change creates a premature translational stop signal (p.Gln165*) in the IL12RB1 gene. It is expected to result in an absent or disrupted protein product. Loss-of-function variants in IL12RB1 are known to be pathogenic (PMID: 9603733, 12591909).

Literature cited by the submitters: PubMed 9603733; PubMed 12591909.

NM_005535.3(IL12RB1):c.493C>T (p.Gln165Ter)

Gene: IL12RB1 (interleukin 12 receptor subunit beta 1; minus strand). Cytogenetic location: 19p13.11.
Variant type: single nucleotide variant.
Coding change: c.493C>T on transcript NM_005535.3 (MANE Select); coding-DNA position 493, C replaced by T.
Protein change: p.Gln165Ter; replaces glutamine 165 with a stop codon.
Molecular consequence: nonsense.
Genome position (GRCh38, 1-based): chr19:18,077,572, G>A on the plus strand (C>T on the coding strand, the complement: IL12RB1 is on the minus strand). VCF-style: chr19-18077572-G-A. GRCh37 (hg19) VCF-style: chr19-18188382-G-A.
Other names: c.493C>T, p.Gln165Ter (NM_001290023.2, NM_153701.3); c.613C>T, p.Gln205Ter (NM_001290024.2); short protein forms Q165*, Q205*.
Identifiers: ClinVar variation 1405092 (VCV001405092.6), dbSNP rs1470879267, ClinGen allele CA404789465.
Genomic context (GRCh38, chr19:18,077,572, plus strand): 5'-TCACCAACTTCCATGGGCTGCTGGGTGTCCGGTGCCGGAACTGCACCTCAGCACCAACCT[G>A]GTTATCCGGGGTCTCCCACTCCATACGCAGCTGCCCGGCCAACTTGGACACCTTGATGTC-3'